The following is an entry in ClinVar:

NM_014244.5(ADAMTS2):c.312G>A (p.Glu104=)

Gene: ADAMTS2 (ADAM metallopeptidase with thrombospondin type 1 motif 2; minus strand). Cytogenetic location: 5q35.3.
Variant type: single nucleotide variant.
Coding change: c.312G>A on transcript NM_014244.5 (MANE Select); coding-DNA position 312, G replaced by A.
Protein change: p.Glu104=; no amino-acid change (glutamic acid 104 retained).
Molecular consequence: synonymous variant.
Genome position (GRCh38, 1-based): chr5:179,343,989, C>T on the plus strand (G>A on the coding strand, the complement: ADAMTS2 is on the minus strand). VCF-style: chr5-179343989-C-T. GRCh37 (hg19) VCF-style: chr5-178770990-C-T.
Other names: p.Glu104=; c.312G>A, p.Glu104= (NM_021599.4).
Identifiers: ClinVar variation 794182 (VCV000794182.14), dbSNP rs781264319, ClinGen allele CA3596345.

ClinVar aggregate classification (germline): Likely benign. Review status: criteria provided, multiple submitters, no conflicts (2 of 4 stars). 3 submissions from 3 submitters: Likely benign (2). 1 of the submissions does not count toward it. Last evaluated 2026-01-23.

Conditions:
Ehlers-Danlos syndrome, dermatosparaxis type. Also called: EDS VIIC; Dermatosparaxis; Ehlers-Danlos syndrome, type VII, autosomal recessive. Identifiers: Orphanet 1901, MedGen C2700425, MONDO:0009161, OMIM 225410.

Allele frequency attached by ClinVar (database versions not stated): gnomAD 0.00001; ExAC 0.00002; TOPMed 0.00005.

Submissions (3):

Labcorp Genetics (formerly Invitae), Labcorp
Classification: Likely benign for Ehlers-Danlos syndrome, dermatosparaxis type. Last evaluated: 2026-01-23. Review status: criteria provided, single submitter. Criteria: Invitae Variant Classification Sherloc (09022015). Collection method: clinical testing. Allele origin: germline.

Mayo Clinic Laboratories, Mayo Clinic
Classification: Likely benign. Last evaluated: 2025-05-08. Review status: criteria provided, single submitter. Criteria: ACMG Guidelines, 2015. Collection method: clinical testing. Allele origin: germline. Observed: 1 variant allele.
Comment: BP4, BP7

Natera, Inc.
Classification: Likely benign for Ehlers-Danlos syndrome type VIIC. Last evaluated: 2021-02-11. Review status: no assertion criteria provided. Collection method: clinical testing. Allele origin: germline. Not counted in ClinVar's aggregate classification.